The following is an entry in ClinVar:

NM_014467.3(SRPX2):c.981C>G (p.Asn327Lys)

Gene: SRPX2 (sushi repeat containing protein X-linked 2; plus strand). Cytogenetic location: Xq22.1.
Variant type: single nucleotide variant.
Coding change: c.981C>G on transcript NM_014467.3 (MANE Select); coding-DNA position 981, C replaced by G.
Protein change: p.Asn327Lys; replaces asparagine 327 with lysine.
Molecular consequence: missense variant.
Genome position (GRCh38, 1-based): chrX:100,667,293, C>G. VCF-style: chrX-100667293-C-G. GRCh37 (hg19) VCF-style: chrX-99922290-C-G.
Other names: p.N327K:AAC>AAG; short protein forms N327K.
Identifiers: ClinVar variation 199131 (VCV000199131.17), dbSNP rs370033099, ClinGen allele CA248165.
Genomic context (GRCh38, chrX:100,667,293, plus strand): 5'-GAGAAAGCCGTACTCTGACTGGTCACCTGCTTCTGCCCTAGCTATGAAGATTAACGTCAA[C>G]GTCAACTCAGCTGCTGGTCTCTTGGATCAATTCTATGAGAAACAGCGACTCCTCATCATC-3'
Protein context (NP_055282.1, residues 317-337): PICAPMKINV[Asn327Lys]VNSAAGLLDQ

ClinVar aggregate classification (germline): Uncertain significance. Review status: criteria provided, multiple submitters, no conflicts (2 of 4 stars). 4 submissions from 4 submitters: Uncertain significance (4). Last evaluated 2022-02-04.

Conditions:
Rolandic epilepsy, impaired intellectual development, and speech dyspraxia, X-linked. Also called: Rolandic epilepsy, impaired intellectual development, and speech dyspraxia; Rolandic epilepsy, intellectual disability, and speech dyspraxia, X-linked. Identifiers: MedGen C1845070, MONDO:0010388, OMIM 300643.

Allele frequency attached by ClinVar (database versions not stated): gnomAD exomes 0.00003; TOPMed 0.00003; ExAC 0.00005; ESP Exome Variant Server 0.00009; gnomAD 0.00009.
gnomAD v4.1: 21 of 1,209,961 alleles (0.0017%); highest among the groups gnomAD compares: Admixed American, 0.026%; no homozygotes.

Submissions (5):

Labcorp Genetics (formerly Invitae), Labcorp
Classification: Uncertain significance for Rolandic epilepsy, impaired intellectual development, and speech dyspraxia, X-linked. Last evaluated: 2022-02-04. Review status: criteria provided, single submitter. Criteria: Invitae Variant Classification Sherloc (09022015). Collection method: clinical testing. Allele origin: germline.
Comment: This sequence change replaces asparagine, which is neutral and polar, with lysine, which is basic and polar, at codon 327 of the SRPX2 protein (p.Asn327Lys). This variant is present in population databases (rs370033099, gnomAD 0.03%). This variant has not been reported in the literature in individuals affected with SRPX2-related conditions. ClinVar contains an entry for this variant (Variation ID: 199131). Algorithms developed to predict the effect of missense changes on protein structure and function (SIFT, PolyPhen-2, Align-GVGD) all suggest that this variant is likely to be tolerated. In summary, the available evidence is currently insufficient to determine the role of this variant in disease. Therefore, it has been classified as a Variant of Uncertain Significance.

Fulgent Genetics
Classification: Uncertain significance for Rolandic epilepsy, impaired intellectual development, and speech dyspraxia, X-linked. Last evaluated: 2018-10-31. Review status: criteria provided, single submitter. Criteria: ACMG Guidelines, 2015. Collection method: clinical testing. Allele origin: unknown.

Eurofins Ntd Llc (ga)
Classification: Uncertain significance. Last evaluated: 2017-10-24. Review status: criteria provided, single submitter. Criteria: EGL Classification Definitions 2015. Collection method: clinical testing. Allele origin: germline. Observed: 5 variant alleles, 2 heterozygotes, 3 hemizygotes.

GeneDx
Classification: Uncertain significance. Last evaluated: 2014-03-12. Review status: criteria provided, single submitter. Criteria: GeneDx Variant Classification (06012015). Collection method: clinical testing. Allele origin: germline. Affected: yes.
Comment: p.Asn327Lys (AAC>AAG): c.981 C>G in exon 9 of the SRPX2 gene (NM_014467.2) A variant of unknown significance has been identified in the SRPX2 gene. The N327K variant has not been published as a mutation, nor has it been reported as a benign polymorphism to our knowledge. This variant was not observed with any significant frequency in approximately 6,500 individuals of European and African American ancestry in the NHLBI Exome Sequencing Project. The N327K variant is a semi-conservative amino acid substitution, which may impact secondary protein structure as these residues differ in some properties. This substitution occurs at a position that is conserved in mammals. In silico analysis is inconsistent in its predictions as to whether or not the variant is damaging to the protein structure/function. Therefore, based on the currently available information, it is unclear whether this variant is a pathogenic mutation or a rare benign variant. The variant is found in EPILEPSY panel(s).

Dr. Peter K. Rogan Lab, Western University
No classification provided (evidence only). Condition: Familial cancer of breast. Review status: no classification provided. Collection method: in vitro. Allele origin: not applicable. Functional consequence: retained intron. Not counted in ClinVar's aggregate classification.